The following is an entry in ClinVar:

NM_014915.3(ANKRD26):c.620C>T (p.Ala207Val)

Gene: ANKRD26 (ankyrin repeat domain containing 26; minus strand). Cytogenetic location: 10p12.1.
Variant type: single nucleotide variant.
Coding change: c.620C>T on transcript NM_014915.3 (MANE Select); coding-DNA position 620, C replaced by T.
Protein change: p.Ala207Val; replaces alanine 207 with valine.
Molecular consequence: missense variant.
Genome position (GRCh38, 1-based): chr10:27,092,424, G>A on the plus strand (C>T on the coding strand, the complement: ANKRD26 is on the minus strand). VCF-style: chr10-27092424-G-A. GRCh37 (hg19) VCF-style: chr10-27381353-G-A.
Other names: c.620C>T, p.Ala207Val (NM_001256053.2); short protein forms A207V.
Identifiers: ClinVar variation 3915319 (VCV003915319.1).

ClinVar aggregate classification (germline): Uncertain significance (1 of 4 stars; one submission).

Conditions:
Inborn genetic diseases. Identifiers: MedGen C0950123, MeSH D030342.

gnomAD v4.1: 4 of 1,610,408 alleles (0.00025%); highest among the groups gnomAD compares: South Asian, 0.0044%; no homozygotes.

Submission:

Ambry Genetics
Classification: Uncertain significance for Inborn genetic diseases. Last evaluated: 2025-06-13. Review status: criteria provided, single submitter. Criteria: Ambry Variant Classification Scheme 2023. Collection method: clinical testing. Allele origin: germline.
Comment: The p.A207V variant (also known as c.620C>T), located in coding exon 4 of the ANKRD26 gene, results from a C to T substitution at nucleotide position 620. The alanine at codon 207 is replaced by valine, an amino acid with similar properties. This amino acid position is conserved. In addition, this alteration is predicted to be tolerated by in silico analysis. Based on the available evidence, the clinical significance of this variant remains unclear.